The following is an entry in ClinVar:

ClinVar aggregate classification (germline): Uncertain significance (1 of 4 stars; one submission).

Submission:

Labcorp Genetics (formerly Invitae), Labcorp
Classification: Uncertain significance. Last evaluated: 2022-07-19. Review status: criteria provided, single submitter. Criteria: Invitae Variant Classification Sherloc (09022015). Collection method: clinical testing. Allele origin: germline.
Comment: In summary, the available evidence is currently insufficient to determine the role of this variant in disease. Therefore, it has been classified as a Variant of Uncertain Significance. Algorithms developed to predict the effect of missense changes on protein structure and function (SIFT, PolyPhen-2, Align-GVGD) all suggest that this variant is likely to be tolerated. ClinVar contains an entry for this variant (Variation ID: 840216). This variant has not been reported in the literature in individuals affected with CTNNA1-related conditions. This variant is not present in population databases (gnomAD no frequency). This sequence change replaces histidine, which is basic and polar, with tyrosine, which is neutral and polar, at codon 5 of the CTNNA1 protein (p.His5Tyr).

NM_001903.5(CTNNA1):c.13C>T (p.His5Tyr)

Gene: CTNNA1 (catenin alpha 1; plus strand). Cytogenetic location: 5q31.2.
Variant type: single nucleotide variant.
Coding change: c.13C>T on transcript NM_001903.5 (MANE Select); coding-DNA position 13, C replaced by T.
Protein change: p.His5Tyr; replaces histidine 5 with tyrosine.
Molecular consequence: missense variant. On other transcripts: 5 prime UTR variant (2).
Genome position (GRCh38, 1-based): chr5:138,781,937, C>T. VCF-style: chr5-138781937-C-T. GRCh37 (hg19) VCF-style: chr5-138117626-C-T.
Other names: c.13C>T, p.His5Tyr (NM_001290307.3, NM_001323982.2, NM_001323983.1 and 3 more transcripts); c.-101C>T (NM_001290309.3); c.-194C>T (NM_001290310.3); short protein forms H5Y.
Identifiers: ClinVar variation 840216 (VCV000840216.11), dbSNP rs1755157382, ClinGen allele CA361477043.